The following is an entry in ClinVar:

ClinVar aggregate classification (germline): Pathogenic (1 of 4 stars; one submission).

Submission:

Labcorp Genetics (formerly Invitae), Labcorp
Classification: Pathogenic. Last evaluated: 2023-02-11. Review status: criteria provided, single submitter. Criteria: Invitae Variant Classification Sherloc (09022015). Collection method: clinical testing. Allele origin: germline.
Comment: This sequence change creates a premature translational stop signal (p.Met87_Gln88delinsIle*) in the NDUFS4 gene. It is expected to result in an absent or disrupted protein product. Loss-of-function variants in NDUFS4 are known to be pathogenic (PMID: 10944442, 16213125). Information on the frequency of this variant in the gnomAD database is not available, as this variant may be reported differently in the database. This variant has not been reported in the literature in individuals affected with NDUFS4-related conditions. For these reasons, this variant has been classified as Pathogenic.

Literature cited by the submitters: PubMed 10944442; PubMed 16213125.

NM_002495.4(NDUFS4):c.261_262delinsTT (p.Met87_Gln88delinsIleTer)

Gene: NDUFS4 (NADH:ubiquinone oxidoreductase subunit S4; plus strand). Cytogenetic location: 5q11.2.
Variant type: Indel.
Coding change: c.261_262delinsTT on transcript NM_002495.4 (MANE Select); coding-DNA positions 261 to 262, GC replaced by TT.
Protein change: p.Met87_Gln88delinsIleTer.
Molecular consequence: nonsense. On other transcripts: non-coding transcript variant (3).
Genome position (GRCh38, 1-based): chr5:53,646,316-53,646,317, GC replaced by TT. VCF-style: chr5-53646316-GC-TT. GRCh37 (hg19) VCF-style: chr5-52942146-GC-TT.
Other names: c.261_262delinsTT, p.Met87_Gln88delinsIleTer (NM_001318051.2).
Identifiers: ClinVar variation 2836340 (VCV002836340.3), dbSNP rs2478787110, ClinGen allele CA2739274727.